The following is an entry in ClinVar:

NM_018100.4(EFHC1):c.558_559del (p.Cys186_Asp187delinsTer)

Gene: EFHC1 (EF-hand domain containing 1; plus strand). Cytogenetic location: 6p12.2.
Variant type: Microsatellite.
Coding change: c.558_559del on transcript NM_018100.4 (MANE Select); coding-DNA positions 558 to 559, 2 bases deleted (TG; older notation c.558_559delTG).
Protein change: p.Cys186_Asp187delinsTer.
Molecular consequence: nonsense. On other transcripts: non-coding transcript variant (1).
Genome position (GRCh38, 1-based): chr6:52,438,576-52,438,577, TG deleted; deleting any 2 consecutive bases within chr6:52,438,574-52,438,577 gives the same sequence; the c. name uses the placement nearest the transcript's 3' end. VCF-style (leftmost placement, unchanged base first): chr6-52438573-CTG-C. GRCh37 (hg19) VCF-style: chr6-52303371-CTG-C.
Other names: c.501_502del, p.Cys167_Asp168delinsTer (NM_001172420.2).
Identifiers: ClinVar variation 580308 (VCV000580308.8), dbSNP rs1562447137, ClinGen allele CA891843236.
Genomic context (GRCh38, chr6:52,438,573, plus strand): 5'-GAAAGACCTAAATCGAGGAATAAACATCACAATTTATGGCAAAACTTTCCGCGTTGTTGA[CTG>C]TGACCAATTCACACAGGTATAGCATATATTTTTGAAAGTTGTGGGGTCTGAGGCATCATT-3'

ClinVar aggregate classification (germline): Uncertain significance (1 of 4 stars; one submission).

Conditions:
Absence seizure. Also called: Absence epilepsy. Identifiers: Orphanet 1941, MedGen C0014553.
Myoclonic epilepsy, juvenile, susceptibility to, 1. Also called: Myoclonic Epilepsy, Juvenile, 1; EJM1. Identifiers: MedGen C1850778, MONDO:0020752, OMIM 254770.

Submission:

Labcorp Genetics (formerly Invitae), Labcorp
Classification: Uncertain significance for Myoclonic epilepsy, juvenile, susceptibility to, 1; Absence seizure. Last evaluated: 2022-08-31. Review status: criteria provided, single submitter. Criteria: Invitae Variant Classification Sherloc (09022015). Collection method: clinical testing. Allele origin: germline.
Comment: ClinVar contains an entry for this variant (Variation ID: 580308). This variant has not been reported in the literature in individuals affected with EFHC1-related conditions. This variant is not present in population databases (gnomAD no frequency). This sequence change creates a premature translational stop signal (p.Cys186*) in the EFHC1 gene. It is expected to result in an absent or disrupted protein product. However, the current clinical and genetic evidence is not sufficient to establish whether loss-of-function variants in EFHC1 cause disease. In summary, the available evidence is currently insufficient to determine the role of this variant in disease. Therefore, it has been classified as a Variant of Uncertain Significance.